The following is an entry in ClinVar:

NM_001276270.2(MBD4):c.1606A>G (p.Asn536Asp)

Gene: MBD4 (methyl-CpG binding domain 4, DNA glycosylase; minus strand). Cytogenetic location: 3q21.3.
Variant type: single nucleotide variant.
Coding change: c.1606A>G on transcript NM_001276270.2 (MANE Select); coding-DNA position 1606, A replaced by G.
Protein change: p.Asn536Asp; replaces asparagine 536 with aspartic acid.
Molecular consequence: missense variant. On other transcripts: intron variant (1).
Genome position (GRCh38, 1-based): chr3:129,432,544, T>C on the plus strand (A>G on the coding strand, the complement: MBD4 is on the minus strand). VCF-style: chr3-129432544-T-C. GRCh37 (hg19) VCF-style: chr3-129151387-T-C.
Other names: c.1624A>G, p.Asn542Asp (NM_001276271.2, NM_003925.3); c.670A>G, p.Asn224Asp (NM_001276273.2); c.1612+12A>G (NM_001276272.2); short protein forms N536D, N542D, N224D.
Identifiers: ClinVar variation 3543790 (VCV003543790.3).

ClinVar aggregate classification (germline): Uncertain significance. Review status: criteria provided, multiple submitters, no conflicts (2 of 4 stars). 2 submissions from 2 submitters: Uncertain significance (2). Last evaluated 2024-12-01.

Conditions:
Inborn genetic diseases. Identifiers: MedGen C0950123, MeSH D030342.

gnomAD v4.1: 1 of 1,614,180 alleles (0.000062%); highest among the groups gnomAD compares: African/African-American, 0.0013%; no homozygotes.

Submissions (2):

Ambry Genetics
Classification: Uncertain significance for Inborn genetic diseases. Last evaluated: 2024-12-01. Review status: criteria provided, single submitter. Criteria: Ambry Variant Classification Scheme 2023. Collection method: clinical testing. Allele origin: germline.
Comment: The p.N536D variant (also known as c.1606A>G), located in coding exon 7 of the MBD4 gene, results from an A to G substitution at nucleotide position 1606. The asparagine at codon 536 is replaced by aspartic acid, an amino acid with highly similar properties. This amino acid position is conserved. In addition, this alteration is predicted to be tolerated by in silico analysis. Based on the available evidence, the clinical significance of this variant remains unclear.

Labcorp Genetics (formerly Invitae), Labcorp
Classification: Uncertain significance. Last evaluated: 2024-05-15. Review status: criteria provided, single submitter. Criteria: Invitae Variant Classification Sherloc (09022015). Collection method: clinical testing. Allele origin: germline.
Comment: This sequence change replaces asparagine, which is neutral and polar, with aspartic acid, which is acidic and polar, at codon 542 of the MBD4 protein (p.Asn542Asp). This variant is not present in population databases (gnomAD no frequency). This variant has not been reported in the literature in individuals affected with MBD4-related conditions. An algorithm developed to predict the effect of missense changes on protein structure and function (PolyPhen-2) suggests that this variant is likely to be disruptive. In summary, the available evidence is currently insufficient to determine the role of this variant in disease. Therefore, it has been classified as a Variant of Uncertain Significance.